The following is an entry in ClinVar:

ClinVar aggregate classification (germline): Uncertain significance (1 of 4 stars; one submission).

Conditions:
Trichorhinophalangeal dysplasia type I (TRPS1). Also called: TRICHORHINOPHALANGEAL SYNDROME, TYPE I; TRPS I. Identifiers: Orphanet 77258, MedGen C0432233, MONDO:0008596, OMIM 190350.
Trichorhinophalangeal syndrome, type III (TRPS3). Also called: SUGIO-KAJII SYNDROME. Identifiers: Orphanet 77258, MedGen C1860823, OMIM 190351, MONDO:0008597.

Submission:

Labcorp Genetics (formerly Invitae), Labcorp
Classification: Uncertain significance for Trichorhinophalangeal syndrome, type III; Trichorhinophalangeal dysplasia type I. Last evaluated: 2024-10-09. Review status: criteria provided, single submitter. Criteria: Invitae Variant Classification Sherloc (09022015). Collection method: clinical testing. Allele origin: germline.
Comment: This sequence change replaces threonine, which is neutral and polar, with isoleucine, which is neutral and non-polar, at codon 862 of the TRPS1 protein (p.Thr862Ile). This variant is not present in population databases (gnomAD no frequency). This variant has not been reported in the literature in individuals affected with TRPS1-related conditions. Invitae Evidence Modeling of protein sequence and biophysical properties (such as structural, functional, and spatial information, amino acid conservation, physicochemical variation, residue mobility, and thermodynamic stability) indicates that this missense variant is not expected to disrupt TRPS1 protein function with a negative predictive value of 80%. In summary, the available evidence is currently insufficient to determine the role of this variant in disease. Therefore, it has been classified as a Variant of Uncertain Significance.

NM_014112.5(TRPS1):c.2585C>T (p.Thr862Ile)

Gene: TRPS1 (transcriptional repressor GATA binding 1; minus strand). Cytogenetic location: 8q23.3.
Variant type: single nucleotide variant.
Coding change: c.2585C>T on transcript NM_014112.5 (MANE Select); coding-DNA position 2585, C replaced by T.
Protein change: p.Thr862Ile; replaces threonine 862 with isoleucine.
Molecular consequence: missense variant.
Genome position (GRCh38, 1-based): chr8:115,587,116, G>A on the plus strand (C>T on the coding strand, the complement: TRPS1 is on the minus strand). VCF-style: chr8-115587116-G-A. GRCh37 (hg19) VCF-style: chr8-116599343-G-A.
Other names: c.2558C>T, p.Thr853Ile (NM_001282902.3); c.2564C>T, p.Thr855Ile (NM_001282903.3); c.2546C>T, p.Thr849Ile (NM_001330599.2); short protein forms T849I, T853I, T855I, T862I.
Identifiers: ClinVar variation 3758771 (VCV003758771.2).